The following is an entry in ClinVar:

NM_032608.7(MYO18B):c.4912C>T (p.Arg1638Trp)

Gene: MYO18B (myosin XVIIIB; plus strand). Cytogenetic location: 22q12.1.
Variant type: single nucleotide variant.
Coding change: c.4912C>T on transcript NM_032608.7 (MANE Select); coding-DNA position 4912, C replaced by T.
Protein change: p.Arg1638Trp; replaces arginine 1638 with tryptophan.
Molecular consequence: missense variant.
Genome position (GRCh38, 1-based): chr22:25,902,701, C>T. VCF-style: chr22-25902701-C-T. GRCh37 (hg19) VCF-style: chr22-26298668-C-T.
Other names: c.4915C>T, p.Arg1639Trp (NM_001318245.2); short protein forms R1638W, R1639W.
Identifiers: ClinVar variation 1370830 (VCV001370830.5), dbSNP rs200771643, ClinGen allele CA10161022.

ClinVar aggregate classification (germline): Uncertain significance (1 of 4 stars; one submission).

Allele frequency attached by ClinVar (database versions not stated): gnomAD 0.00002; gnomAD exomes 0.00002; ExAC 0.00004; TOPMed 0.00004; ESP Exome Variant Server 0.00008.
gnomAD v4.1: 40 of 1,591,576 alleles (0.0025%); highest among the groups gnomAD compares: Middle Eastern, 0.017%; no homozygotes.

Submission:

Labcorp Genetics (formerly Invitae), Labcorp
Classification: Uncertain significance. Last evaluated: 2023-11-28. Review status: criteria provided, single submitter. Criteria: Invitae Variant Classification Sherloc (09022015). Collection method: clinical testing. Allele origin: germline.
Comment: This sequence change replaces arginine, which is basic and polar, with tryptophan, which is neutral and slightly polar, at codon 1638 of the MYO18B protein (p.Arg1638Trp). The frequency data for this variant in the population databases is considered unreliable, as metrics indicate poor data quality at this position in the gnomAD database. This variant has not been reported in the literature in individuals affected with MYO18B-related conditions. ClinVar contains an entry for this variant (Variation ID: 1370830). An algorithm developed to predict the effect of missense changes on protein structure and function (PolyPhen-2) suggests that this variant is likely to be disruptive. In summary, the available evidence is currently insufficient to determine the role of this variant in disease. Therefore, it has been classified as a Variant of Uncertain Significance.